The following is an entry in ClinVar:

NM_001166108.2(PALLD):c.3020C>G (p.Ala1007Gly)

Genes: CBR4 (carbonyl reductase 4; minus strand), PALLD (palladin, cytoskeletal associated protein; plus strand). Cytogenetic location: 4q32.3.
Variant type: single nucleotide variant.
Coding change: c.3020C>G on transcript NM_001166108.2 (MANE Select); coding-DNA position 3020, C replaced by G.
Protein change: p.Ala1007Gly; replaces alanine 1007 with glycine.
Molecular consequence: missense variant.
Genome position (GRCh38, 1-based): chr4:168,921,703, C>G. VCF-style: chr4-168921703-C-G. GRCh37 (hg19) VCF-style: chr4-169842854-C-G.
Other names: c.1823C>G, p.Ala608Gly (NM_001166109.2); c.1508C>G, p.Ala503Gly (NM_001166110.2); c.848C>G, p.Ala283Gly (NM_001367567.1, NM_001367569.1); c.899C>G, p.Ala300Gly (NM_001367568.1, NM_001367570.1); c.2969C>G, p.Ala990Gly (NM_016081.4); short protein forms A1007G, A283G, A300G, A503G, A608G, A990G.
Identifiers: ClinVar variation 3226794 (VCV003226794.1), dbSNP rs2534195856, ClinGen allele CA358709600.

ClinVar aggregate classification (germline): Uncertain significance (1 of 4 stars; one submission).

Submission:

Ambry Genetics
Classification: Uncertain significance. Last evaluated: 2024-02-28. Review status: criteria provided, single submitter. Criteria: Ambry Variant Classification Scheme 2023. Collection method: clinical testing. Allele origin: germline.
Comment: The p.A990G variant (also known as c.2969C>G), located in coding exon 16 of the PALLD gene, results from a C to G substitution at nucleotide position 2969. The alanine at codon 990 is replaced by glycine, an amino acid with similar properties. This amino acid position is conserved. In addition, the in silico prediction for this alteration is inconclusive. Based on the available evidence, the clinical significance of this alteration remains unclear.